The following is an entry in ClinVar:

ClinVar aggregate classification (germline): Likely pathogenic (1 of 4 stars; one submission).

Conditions:
Nonsyndromic genetic hearing loss. Also called: Nonsyndromic hearing loss and deafness; Non-syndromic genetic deafness; Nonsyndromic genetic deafness. Identifiers: Orphanet 87884, MedGen C5680182, MONDO:0019497.

Submission:

Laboratory for Molecular Medicine, Mass General Brigham Personalized Medicine
Classification: Likely pathogenic for Nonsyndromic genetic hearing loss. Last evaluated: 2023-02-02. Review status: criteria provided, single submitter. Criteria: ACMG Guidelines, 2015. Collection method: clinical testing. Allele origin: germline.
Comment: The p.Phe808IlefsX2 variant in MYO3A has not been reported in individuals with nonsyndromic hearing loss. It has been identified in 0.02% (1/4832) South Asian chromosomes by gnomAD, v.3. This variant is predicted to cause a frameshift, which alters the protein’s amino acid sequence beginning at position 808 and leads to a premature termination codon 2 amino acids downstream. Loss of function of the MYO3A gene is an established disease mechanism in autosomal recessive nonsyndromic hearing loss. In summary, although additional studies are required to fully establish its clinical significance, this variant meets criteria to be classified as likely pathogenic for autosomal recessive nonsyndromic hearing loss.ACMG/AMP Criteria applied: PVS1, PM2_Supporting.

NM_017433.5(MYO3A):c.2421dup (p.Phe808fs)

Gene: MYO3A (myosin IIIA; plus strand). Cytogenetic location: 10p12.1.
Variant type: Duplication.
Coding change: c.2421dup on transcript NM_017433.5 (MANE Select); coding-DNA position 2421, one base duplicated (A; older notation c.2421dupA).
Protein change: p.Phe808fs; shifts the reading frame from phenylalanine 808.
Molecular consequence: frameshift variant.
Genome position (GRCh38, 1-based): chr10:26,145,450, A duplicated; the last of 5 consecutive A bases (chr10:26,145,446-26,145,450); duplicating any one gives the same sequence. VCF-style (leftmost placement, unchanged base first): chr10-26145445-G-GA. GRCh37 (hg19) VCF-style: chr10-26434374-G-GA.
Other names: short protein forms F808fs.
Identifiers: ClinVar variation 3075927 (VCV003075927.1), dbSNP rs761424238, ClinGen allele CA5444963.
Genomic context (GRCh38, chr10:26,145,445, plus strand): 5'-TCGCAGTATTTTTTGAGGATCTCATACATGCTTGATATTTGAGTTCAGTATTTTTCTACA[G>GA]AAAAATTTGAAGGTAACCTGAAATCACAATACTTCTGGAGACCCAAAAGAATGGAACTTA-3'